The following is an entry in ClinVar:

ClinVar aggregate classification (germline): Uncertain significance (1 of 4 stars; one submission).

Conditions:
Aortic aneurysm, familial thoracic 8 (AAT8). Identifiers: MedGen C3809513, MONDO:0014187, OMIM 615436.

Submission:

Labcorp Genetics (formerly Invitae), Labcorp
Classification: Uncertain significance for Aortic aneurysm, familial thoracic 8. Last evaluated: 2020-10-10. Review status: criteria provided, single submitter. Criteria: Invitae Variant Classification Sherloc (09022015). Collection method: clinical testing. Allele origin: germline.
Comment: Algorithms developed to predict the effect of missense changes on protein structure and function are either unavailable or do not agree on the potential impact of this missense change (SIFT: "Deleterious"; PolyPhen-2: "Benign"; Align-GVGD: "Class C0"). In summary, the available evidence is currently insufficient to determine the role of this variant in disease. Therefore, it has been classified as a Variant of Uncertain Significance. This variant has not been reported in the literature in individuals with PRKG1-related conditions. This variant is not present in population databases (ExAC no frequency). This sequence change replaces phenylalanine with leucine at codon 237 of the PRKG1 protein (p.Phe237Leu). The phenylalanine residue is moderately conserved and there is a small physicochemical difference between phenylalanine and leucine.

NM_006258.4(PRKG1):c.711C>A (p.Phe237Leu)

Gene: PRKG1 (protein kinase cGMP-dependent 1; plus strand). Cytogenetic location: 10q21.1.
Variant type: single nucleotide variant.
Coding change: c.711C>A on transcript NM_006258.4 (MANE Select); coding-DNA position 711, C replaced by A.
Protein change: p.Phe237Leu; replaces phenylalanine 237 with leucine.
Molecular consequence: missense variant.
Genome position (GRCh38, 1-based): chr10:51,907,519, C>A. VCF-style: chr10-51907519-C-A. GRCh37 (hg19) VCF-style: chr10-53667279-C-A.
Other names: c.666C>A, p.Phe222Leu (NM_001098512.3); c.711C>A, p.Phe237Leu (NM_001374782.1); short protein forms F222L, F237L.
Identifiers: ClinVar variation 1061891 (VCV001061891.9), dbSNP rs1029991615, ClinGen allele CA376533520.
Genomic context (GRCh38, chr10:51,907,519, plus strand): 5'-AGTAAGTTGTGGTTCATGTGTTCAGCACTATTCTGTTTTGTTTTTCAGCGTTCCAACATT[C>A]CAGAGCCTTCCTGAAGAGATCCTCAGCAAGCTTGCTGATGTCCTTGAAGAGGTAATTGTT-3'
Protein context (NP_006249.1, residues 227-247): YMEFLKSVPT[Phe237Leu]QSLPEEILSK